The following is an entry in ClinVar:

NM_001142800.2(EYS):c.1300T>C (p.Tyr434His)

Gene: EYS (EGF-like photoreceptor maintenance factor; minus strand). Cytogenetic location: 6q12.
Variant type: single nucleotide variant.
Coding change: c.1300T>C on transcript NM_001142800.2 (MANE Select); coding-DNA position 1300, T replaced by C.
Protein change: p.Tyr434His; replaces tyrosine 434 with histidine.
Molecular consequence: missense variant.
Genome position (GRCh38, 1-based): chr6:65,353,617, A>G on the plus strand (T>C on the coding strand, the complement: EYS is on the minus strand). VCF-style: chr6-65353617-A-G. GRCh37 (hg19) VCF-style: chr6-66063510-A-G.
Other names: c.1300T>C, p.Tyr434His (NM_001142801.2, NM_001292009.2, NM_198283.2); short protein forms Y434H.
Identifiers: ClinVar variation 1346341 (VCV001346341.6), dbSNP rs1764369029, ClinGen allele CA364661957.
Genomic context (GRCh38, chr6:65,353,617, plus strand): 5'-TTAGGTAAACATTCTTCAAAAACCAACATGGATTTTTTGTGCACCCTGGAATGCATACAT[A>G]CTGCAAAAAGGAAACAAGGAAAAATGGTAAATTCTTTTTTGATATATTTTTCAATATATA-3'
Protein context (NP_001136272.1, residues 424-444): WCFNIIGRFK[Tyr434His]VCIPGCTKNP

ClinVar aggregate classification (germline): Uncertain significance (1 of 4 stars; one submission).

Allele frequency attached by ClinVar (database versions not stated): gnomAD exomes below 0.00001; TOPMed below 0.00001.
gnomAD v4.1: 2 of 1,611,846 alleles (0.00012%); highest among the groups gnomAD compares: Non-Finnish European, 0.00017%; no homozygotes.

Submission:

Labcorp Genetics (formerly Invitae), Labcorp
Classification: Uncertain significance. Last evaluated: 2024-12-02. Review status: criteria provided, single submitter. Criteria: Invitae Variant Classification Sherloc (09022015). Collection method: clinical testing. Allele origin: germline.
Comment: This sequence change replaces tyrosine, which is neutral and polar, with histidine, which is basic and polar, at codon 434 of the EYS protein (p.Tyr434His). This variant is not present in population databases (gnomAD no frequency). This variant has not been reported in the literature in individuals affected with EYS-related conditions. ClinVar contains an entry for this variant (Variation ID: 1346341). An algorithm developed to predict the effect of missense changes on protein structure and function outputs the following: PolyPhen-2: "Possibly Damaging". The histidine amino acid residue is found in multiple mammalian species, which suggests that this missense change does not adversely affect protein function. In summary, the available evidence is currently insufficient to determine the role of this variant in disease. Therefore, it has been classified as a Variant of Uncertain Significance.